The following is an entry in ClinVar:

NM_001128178.3(NPHP1):c.1897_1906del (p.Thr633fs)

Gene: NPHP1 (nephrocystin 1; minus strand). Cytogenetic location: 2q13.
Variant type: Deletion.
Coding change: c.1897_1906del on transcript NM_001128178.3 (MANE Select); coding-DNA positions 1897 to 1906, 10 bases deleted (ACTGACTTCC; older notation c.1897_1906delACTGACTTCC).
Protein change: p.Thr633fs; shifts the reading frame from threonine 633.
Molecular consequence: frameshift variant. On other transcripts: 3 prime UTR variant (1).
Genome position (GRCh38, 1-based): chr2:110,123,919-110,123,928, GGAAGTCAGT deleted on the plus strand (ACTGACTTCC on the coding strand, the reverse complement: NPHP1 is on the minus strand); deleting any 10 consecutive bases within chr2:110,123,919-110,123,929 gives the same sequence; the c. name uses the placement nearest the transcript's 3' end. VCF-style (leftmost placement, unchanged base first): chr2-110123918-AGGAAGTCAGT-A. GRCh37 (hg19) VCF-style: chr2-110881495-AGGAAGTCAGT-A.
Other names: c.2065_2074del, p.Thr689fs (NM_000272.5); c.1708_1717del, p.Thr570fs (NM_001128179.3); c.1894_1903del, p.Thr632fs (NM_001374256.1); c.*139_*148del (NM_001374257.1); c.2062_2071del, p.Thr688fs (NM_207181.4); short protein forms T570fs, T632fs, T633fs, T688fs, T689fs.
Identifiers: ClinVar variation 2677264 (VCV002677264.4), dbSNP rs1679162266, ClinGen allele CA1278820162.

ClinVar aggregate classification (germline): Pathogenic/Likely pathogenic. Review status: criteria provided, multiple submitters, no conflicts (2 of 4 stars). 3 submissions from 3 submitters: Pathogenic (1); Likely pathogenic (2). Last evaluated 2025-01-22.

Conditions:
NPHP1-related disorder. Also called: NPHP1-related condition; NPHP1-related disorders.
Nephronophthisis. Also called: Juvenile Nephronophthisis. Identifiers: Orphanet 655, MedGen C0687120, MONDO:0019005, HP:0000090.
Joubert syndrome with renal defect. Also called: JOUBERT SYNDROME 4. Identifiers: Orphanet 220497, MedGen C1846790, MONDO:0012308, OMIM 609583.

Submissions (3):

Labcorp Genetics (formerly Invitae), Labcorp
Classification: Pathogenic for Nephronophthisis. Last evaluated: 2025-01-22. Review status: criteria provided, single submitter. Criteria: Invitae Variant Classification Sherloc (09022015). Collection method: clinical testing. Allele origin: germline.
Comment: This sequence change creates a premature translational stop signal (p.Thr689Leufs*37) in the NPHP1 gene. While this is not anticipated to result in nonsense mediated decay, it is expected to disrupt the last 45 amino acid(s) of the NPHP1 protein. This variant is not present in population databases (gnomAD no frequency). This variant has not been reported in the literature in individuals affected with NPHP1-related conditions. ClinVar contains an entry for this variant (Variation ID: 2677264). This variant disrupts a region of the NPHP1 protein in which other variant(s) (p.Phe715Leufs*14) have been determined to be pathogenic (internal data). This suggests that this is a clinically significant region of the protein, and that variants that disrupt it are likely to be disease-causing. For these reasons, this variant has been classified as Pathogenic.

Blueprint Genetics
Classification: Likely pathogenic for NPHP1-related disorders. Last evaluated: 2024-03-04. Review status: criteria provided, single submitter. Criteria: ACMG Guidelines, 2015. Collection method: clinical testing. Allele origin: germline. Affected: yes. Observed: 2 variant alleles.

Baylor Genetics
Classification: Likely pathogenic for Joubert syndrome with renal defect. Last evaluated: 2023-07-15. Review status: criteria provided, single submitter. Criteria: ACMG Guidelines, 2015. Collection method: clinical testing. Allele origin: unknown.